The following is an entry in ClinVar:

NM_001372044.2(SHANK3):c.1471G>A (p.Asp491Asn)

Gene: SHANK3 (SH3 and multiple ankyrin repeat domains 3; plus strand). Cytogenetic location: 22q13.33.
Variant type: single nucleotide variant.
Coding change: c.1471G>A on transcript NM_001372044.2 (MANE Select); coding-DNA position 1471, G replaced by A.
Protein change: p.Asp491Asn; replaces aspartic acid 491 with asparagine.
Molecular consequence: missense variant.
Genome position (GRCh38, 1-based): chr22:50,694,990, G>A. VCF-style: chr22-50694990-G-A. GRCh37 (hg19) VCF-style: chr22-51133418-G-A.
Other names: c.1246G>A, p.Asp416Asn (NM_033517.1); short protein forms D416N, D491N.
Identifiers: ClinVar variation 2578927 (VCV002578927.25), dbSNP rs766655001, ClinGen allele CA10325491.
Genomic context (GRCh38, chr22:50,694,990, plus strand): 5'-CTCCCCCACCAGCTGCTGCTCCAGCGGCTGCAAGAGGAGAAAGATCGTGACCGGGATGCC[G>A]ACCAGGAGAGCAACATCAGTGGCCCTTTAGCAGGCAGGGCCGGCCAAAGCAAGATCAGGT-3'
Protein context (NP_001358973.1, residues 481-501): QEEKDRDRDA[Asp491Asn]QESNISGPLA

ClinVar aggregate classification (germline): Likely benign (1 of 4 stars; one submission).

Allele frequency attached by ClinVar (database versions not stated): gnomAD 0.00002; TOPMed 0.00003.

Submission:

CeGaT Center for Human Genetics Tuebingen
Classification: Likely benign. Last evaluated: 2025-10-01. Review status: criteria provided, single submitter. Criteria: CeGaT Center For Human Genetics Tuebingen Variant Classification Criteria Version 2. Collection method: clinical testing. Allele origin: germline. Affected: yes. Observed: 2 variant alleles.
Comment: SHANK3: BP4, BS2